The following is an entry in ClinVar:

ClinVar aggregate classification (germline): Uncertain significance. Review status: criteria provided, multiple submitters, no conflicts (2 of 4 stars). 3 submissions from 3 submitters: Uncertain significance (3). Last evaluated 2024-12-09.

Conditions:
Dilated cardiomyopathy 1AA (CMD1AA). Also called: CARDIOMYOPATHY, DILATED, 1AA, WITH OR WITHOUT LEFT VENTRICULAR NONCOMPACTION; CARDIOMYOPATHY, FAMILIAL HYPERTROPHIC, 23, WITH OR WITHOUT LEFT VENTRICULAR NONCOMPACTION; Cardiomyopathy, dilated, 1AA, with or without LVNC. Identifiers: Orphanet 154, MedGen C2677338, MONDO:0012808, OMIM 612158.
Primary familial hypertrophic cardiomyopathy (HCM). Identifiers: Orphanet 99739, MedGen C0949658, MeSH D024741, MONDO:0024573. Inheritance: Various modes of inheritance.
Cardiovascular phenotype. Identifiers: MedGen CN230736.

Allele frequency attached by ClinVar (database versions not stated): gnomAD exomes below 0.00001; TOPMed below 0.00001.
gnomAD v4.1: 1 of 1,614,140 alleles (0.000062%); highest among the groups gnomAD compares: Non-Finnish European, 0.000085%; no homozygotes.

Submissions (3):

Ambry Genetics
Classification: Uncertain significance for Cardiovascular phenotype. Last evaluated: 2024-12-09. Review status: criteria provided, single submitter. Criteria: Ambry Variant Classification Scheme 2023. Collection method: clinical testing. Allele origin: germline.
Comment: The p.T734I variant (also known as c.2201C>T), located in coding exon 18 of the ACTN2 gene, results from a C to T substitution at nucleotide position 2201. The threonine at codon 734 is replaced by isoleucine, an amino acid with similar properties. This amino acid position is conserved. In addition, this alteration is predicted to be deleterious by in silico analysis. Based on the available evidence, the clinical significance of this variant remains unclear.

Labcorp Genetics (formerly Invitae), Labcorp
Classification: Uncertain significance for Primary familial hypertrophic cardiomyopathy; Dilated cardiomyopathy 1AA. Last evaluated: 2024-01-29. Review status: criteria provided, single submitter. Criteria: Invitae Variant Classification Sherloc (09022015). Collection method: clinical testing. Allele origin: germline.
Comment: This sequence change replaces threonine, which is neutral and polar, with isoleucine, which is neutral and non-polar, at codon 734 of the ACTN2 protein (p.Thr734Ile). This variant is not present in population databases (gnomAD no frequency). This variant has not been reported in the literature in individuals affected with ACTN2-related conditions. ClinVar contains an entry for this variant (Variation ID: 296508). Advanced modeling of protein sequence and biophysical properties (such as structural, functional, and spatial information, amino acid conservation, physicochemical variation, residue mobility, and thermodynamic stability) performed at Invitae indicates that this missense variant is not expected to disrupt ACTN2 protein function with a negative predictive value of 80%. In summary, the available evidence is currently insufficient to determine the role of this variant in disease. Therefore, it has been classified as a Variant of Uncertain Significance.

Illumina Laboratory Services, Illumina
Classification: Uncertain significance for Dilated cardiomyopathy 1AA. Last evaluated: 2018-01-13. Review status: criteria provided, single submitter. Criteria: ICSL Variant Classification Criteria 13 December 2019. Collection method: clinical testing. Allele origin: germline.

NM_001103.4(ACTN2):c.2201C>T (p.Thr734Ile)

Gene: ACTN2 (actinin alpha 2; plus strand). Cytogenetic location: 1q43.
Variant type: single nucleotide variant.
Coding change: c.2201C>T on transcript NM_001103.4 (MANE Select); coding-DNA position 2201, C replaced by T.
Protein change: p.Thr734Ile; replaces threonine 734 with isoleucine.
Molecular consequence: missense variant.
Genome position (GRCh38, 1-based): chr1:236,757,532, C>T. VCF-style: chr1-236757532-C-T. GRCh37 (hg19) VCF-style: chr1-236920832-C-T.
Other names: c.2201C>T, p.Thr734Ile (NM_001278343.2); c.1577C>T, p.Thr526Ile (NM_001278344.2); c.2201C>T (NM_001103.2); short protein forms T734I, T526I.
Identifiers: ClinVar variation 296508 (VCV000296508.15), dbSNP rs886046207, ClinGen allele CA10610587.
Genomic context (GRCh38, chr1:236,757,532, plus strand): 5'-TTTTCCCTCAATAGCACATTCGTGTTGGATGGGAGCTGCTGCTGACAACCATCGCCAGAA[C>T]CATCAATGAGGTGGAGACTCAGATCCTGACGAGAGATGCGAAGGGCATCACCCAGGAGCA-3'
Protein context (NP_001094.1, residues 724-744): WELLLTTIAR[Thr734Ile]INEVETQILT